The following is an entry in ClinVar:

NM_002294.3(LAMP2):c.745G>A (p.Ala249Thr)

Gene: LAMP2 (lysosome associated membrane protein 2; minus strand). Cytogenetic location: Xq24.
Variant type: single nucleotide variant.
Coding change: c.745G>A on transcript NM_002294.3 (MANE Select); coding-DNA position 745, G replaced by A.
Protein change: p.Ala249Thr; replaces alanine 249 with threonine.
Molecular consequence: missense variant.
Genome position (GRCh38, 1-based): chrX:120,446,424, C>T on the plus strand (G>A on the coding strand, the complement: LAMP2 is on the minus strand). VCF-style: chrX-120446424-C-T. GRCh37 (hg19) VCF-style: chrX-119580279-C-T.
Other names: c.745G>A, p.Ala249Thr (NM_001122606.1, NM_013995.2); short protein forms A249T.
Identifiers: ClinVar variation 940591 (VCV000940591.9), dbSNP rs2058596707, ClinGen allele CA414401091.

ClinVar aggregate classification (germline): Uncertain significance (1 of 4 stars; one submission).

Conditions:
Danon disease. Also called: PSEUDOGLYCOGENOSIS II; GSD IIb; LYSOSOMAL GLYCOGEN STORAGE DISEASE WITHOUT ACID MALTASE DEFICIENCY; ANTOPOL DISEASE; Glycogen Storage Disease Type IIb. Identifiers: Orphanet 34587, MedGen C0878677, MONDO:0010281, OMIM 300257.

Allele frequency attached by ClinVar (database versions not stated): gnomAD exomes below 0.00001.
gnomAD v4.1: 1 of 1,210,196 alleles (0.000083%); highest among the groups gnomAD compares: African/African-American, 0.0017%; no homozygotes.

Submission:

Labcorp Genetics (formerly Invitae), Labcorp
Classification: Uncertain significance for Danon disease. Last evaluated: 2025-04-29. Review status: criteria provided, single submitter. Criteria: Invitae Variant Classification Sherloc (09022015). Collection method: clinical testing. Allele origin: germline.
Comment: This sequence change replaces alanine, which is neutral and non-polar, with threonine, which is neutral and polar, at codon 249 of the LAMP2 protein (p.Ala249Thr). This variant is not present in population databases (gnomAD no frequency). This variant has not been reported in the literature in individuals affected with LAMP2-related conditions. ClinVar contains an entry for this variant (Variation ID: 940591). Invitae Evidence Modeling of protein sequence and biophysical properties (such as structural, functional, and spatial information, amino acid conservation, physicochemical variation, residue mobility, and thermodynamic stability) indicates that this missense variant is not expected to disrupt LAMP2 protein function with a negative predictive value of 80%. In summary, the available evidence is currently insufficient to determine the role of this variant in disease. Therefore, it has been classified as a Variant of Uncertain Significance.